The following is an entry in ClinVar:

ClinVar aggregate classification (germline): Uncertain significance (1 of 4 stars; one submission).

Conditions:
Perlman syndrome (PRLMNS). Identifiers: Orphanet 2849, MedGen C0796113, MONDO:0009965, OMIM 267000.

Submission:

Labcorp Genetics (formerly Invitae), Labcorp
Classification: Uncertain significance for Perlman syndrome. Last evaluated: 2023-10-30. Review status: criteria provided, single submitter. Criteria: Invitae Variant Classification Sherloc (09022015). Collection method: clinical testing. Allele origin: germline.
Comment: This variant, c.146_154dup, results in the insertion of 3 amino acid(s) of the DIS3L2 protein (p.Ile49_Glu51dup), but otherwise preserves the integrity of the reading frame. This variant is not present in population databases (gnomAD no frequency). This variant has not been reported in the literature in individuals affected with DIS3L2-related conditions. In summary, the available evidence is currently insufficient to determine the role of this variant in disease. Therefore, it has been classified as a Variant of Uncertain Significance.

NM_152383.5(DIS3L2):c.146_154dup (p.Glu51_Thr52insIlePheGlu)

Gene: DIS3L2 (DIS3 like 3'-5' exoribonuclease 2; plus strand). Cytogenetic location: 2q37.1.
Variant type: Duplication.
Coding change: c.146_154dup on transcript NM_152383.5 (MANE Select); coding-DNA positions 146 to 154, 9 bases duplicated (TATTTGAAA; older notation c.146_154dupTATTTGAAA).
Protein change: p.Glu51_Thr52insIlePheGlu.
Molecular consequence: inframe insertion. On other transcripts: non-coding transcript variant (2).
Genome position (GRCh38, 1-based): chr2:232,015,607-232,015,615, TATTTGAAA duplicated; duplicating any 9 consecutive bases within chr2:232,015,606-232,015,615 gives the same sequence; the c. name uses the placement nearest the transcript's 3' end. VCF-style (leftmost placement, unchanged base first): chr2-232015605-C-CATATTTGAA. GRCh37 (hg19) VCF-style: chr2-232880315-C-CATATTTGAA.
Other names: c.146_154dup, p.Glu51_Thr52insIlePheGlu (NM_001257281.2, NM_001257282.2).
Identifiers: ClinVar variation 2772861 (VCV002772861.3), dbSNP rs2469595829, ClinGen allele CA2697550562.